The following is an entry in ClinVar:

ClinVar aggregate classification (germline): Conflicting classifications of pathogenicity. Review status: criteria provided, conflicting classifications (1 of 4 stars). 3 submissions from 3 submitters: Uncertain significance (1); Benign (1); Likely benign (1). Last evaluated 2025-10-01.

Conditions:
MGAT2-congenital disorder of glycosylation. Also called: Congenital disorder of glycosylation, type IIa; CDG IIa; MGAT2-CDG; MENTAL RETARDATION, GROWTH RETARDATION, PROMINENT COLUMELLA, AND OPEN MOUTH; Alkuraya syndrome. Identifiers: Orphanet 79329, MedGen C2931008, MONDO:0008908, OMIM 212066.

Allele frequency attached by ClinVar (database versions not stated): gnomAD exomes 0.00047; ExAC 0.00058; 1000 Genomes Project 0.00080; 1000 Genomes Project 30x 0.00094; TOPMed 0.00140; gnomAD 0.00150 and 0.00162; ESP Exome Variant Server 0.00169.
gnomAD v4.1: 532 of 1,614,156 alleles (0.033%); highest among the groups gnomAD compares: African/African-American, 0.48%; 2 homozygotes.

Submissions (3):

Labcorp Genetics (formerly Invitae), Labcorp
Classification: Benign for MGAT2-congenital disorder of glycosylation. Last evaluated: 2025-10-01. Review status: criteria provided, single submitter. Criteria: Invitae Variant Classification Sherloc (09022015). Collection method: clinical testing. Allele origin: germline.

Illumina Laboratory Services, Illumina
Classification: Uncertain significance for MGAT2-congenital disorder of glycosylation. Last evaluated: 2017-04-28. Review status: criteria provided, single submitter. Criteria: ICSL Variant Classification Criteria 13 December 2019. Collection method: clinical testing. Allele origin: germline.

GeneDx
Classification: Likely benign. Last evaluated: 2016-10-10. Review status: criteria provided, single submitter. Criteria: GeneDx Variant Classification (06012015). Collection method: clinical testing. Allele origin: germline. Affected: yes.
Comment: This variant is considered likely benign or benign based on one or more of the following criteria: it is a conservative change, it occurs at a poorly conserved position in the protein, it is predicted to be benign by multiple in silico algorithms, and/or has population frequency not consistent with disease.

NM_002408.4(MGAT2):c.1023T>C (p.Tyr341=)

Gene: MGAT2 (alpha-1,6-mannosyl-glycoprotein 2-beta-N-acetylglucosaminyltransferase; plus strand). Cytogenetic location: 14q21.3.
Variant type: single nucleotide variant.
Coding change: c.1023T>C on transcript NM_002408.4 (MANE Select); coding-DNA position 1023, T replaced by C.
Protein change: p.Tyr341=; no amino-acid change (tyrosine 341 retained).
Molecular consequence: synonymous variant.
Genome position (GRCh38, 1-based): chr14:49,622,291, T>C. VCF-style: chr14-49622291-T-C. GRCh37 (hg19) VCF-style: chr14-50089009-T-C.
Identifiers: ClinVar variation 389347 (VCV000389347.13), dbSNP rs111486860, ClinGen allele CA7172631.
Genomic context (GRCh38, chr14:49,622,291, plus strand): 5'-AGCCTTGACCCGGAATGCCTATCAGAAGCTGATCGAGTGCACAGACACTTTCTGTACTTA[T>C]GATGATTATAACTGGGACTGGACTCTTCAATACTTGACTGTATCTTGTCTTCCAAAATTC-3'
Protein context (NP_002399.1, residues 331-351): LIECTDTFCT[Tyr341=]DDYNWDWTLQ